The following is an entry in ClinVar:

ClinVar aggregate classification (germline): Likely benign. Review status: criteria provided, multiple submitters, no conflicts (2 of 4 stars). 2 submissions from 2 submitters: Likely benign (2). Last evaluated 2025-11-01.

Conditions:
Inborn genetic diseases. Identifiers: MedGen C0950123, MeSH D030342.

gnomAD v4.1: 27 of 1,614,064 alleles (0.0017%); highest among the groups gnomAD compares: Non-Finnish European, 0.0021%; no homozygotes.

Submissions (2):

CeGaT Center for Human Genetics Tuebingen
Classification: Likely benign. Last evaluated: 2025-11-01. Review status: criteria provided, single submitter. Criteria: CeGaT Center For Human Genetics Tuebingen Variant Classification Criteria Version 2. Collection method: clinical testing. Allele origin: germline. Affected: yes. Observed: 1 variant allele.
Comment: ASXL1: BP1

Ambry Genetics
Classification: Likely benign for Inborn genetic diseases. Last evaluated: 2025-08-29. Review status: criteria provided, single submitter. Criteria: Ambry Variant Classification Scheme 2023. Collection method: clinical testing. Allele origin: germline.

NM_015338.6(ASXL1):c.802A>T (p.Ile268Phe)

Gene: ASXL1 (ASXL transcriptional regulator 1; plus strand). Cytogenetic location: 20q11.21.
Variant type: single nucleotide variant.
Coding change: c.802A>T on transcript NM_015338.6 (MANE Select); coding-DNA position 802, A replaced by T.
Protein change: p.Ile268Phe; replaces isoleucine 268 with phenylalanine.
Molecular consequence: missense variant.
Genome position (GRCh38, 1-based): chr20:32,431,404, A>T. VCF-style: chr20-32431404-A-T. GRCh37 (hg19) VCF-style: chr20-31019207-A-T.
Other names: c.619A>T, p.Ile207Phe (NM_001363734.1); short protein forms I207F, I268F.
Identifiers: ClinVar variation 4159847 (VCV004159847.7).